The following is an entry in ClinVar:

ClinVar aggregate classification (germline): Uncertain significance (1 of 4 stars; one submission).

Submission:

GeneDx
Classification: Uncertain significance. Last evaluated: 2017-01-05. Review status: criteria provided, single submitter. Criteria: GeneDx Variant Classification (06012015). Collection method: clinical testing. Allele origin: germline. Affected: yes.
Comment: The F781L variant has not been published as a pathogenic variant, nor has it been reported as a benign variant to our knowledge. The variant was not observed in approximately 6500 individuals of European and African American ancestry in the NHLBI Exome Sequencing Project, indicating it is not a common benign variant in these populations. The F781L variant is a conservative amino acid substitution, which is not likely to impact secondary protein structure as these residues share similar properties. However, this substitution occurs at a position that is conserved across species and in silico analysis predicts F781L is probably damaging to the protein structure/function. As F781L has been observed in cis with a pathogenic variant, it is more likely to be benign; however, the possibility that it is a pathogenic variant cannot be excluded.

NM_001278116.2(L1CAM):c.2343C>G (p.Phe781Leu)

Gene: L1CAM (L1 cell adhesion molecule; minus strand). Cytogenetic location: Xq28.
Variant type: single nucleotide variant.
Coding change: c.2343C>G on transcript NM_001278116.2 (MANE Select); coding-DNA position 2343, C replaced by G.
Protein change: p.Phe781Leu; replaces phenylalanine 781 with leucine.
Molecular consequence: missense variant.
Genome position (GRCh38, 1-based): chrX:153,866,737, G>C on the plus strand (C>G on the coding strand, the complement: L1CAM is on the minus strand). VCF-style: chrX-153866737-G-C. GRCh37 (hg19) VCF-style: chrX-153132192-G-C.
Other names: c.2343C>G, p.Phe781Leu (NM_000425.5, NM_024003.3); c.2328C>G, p.Phe776Leu (NM_001143963.2); short protein forms F781L, F776L.
Identifiers: ClinVar variation 392922 (VCV000392922.2), dbSNP rs369046420, ClinGen allele CA16608779.